The following is an entry in ClinVar:

NM_015346.4(ZFYVE26):c.6159+1G>A

Gene: ZFYVE26 (zinc finger FYVE-type containing 26; minus strand). Cytogenetic location: 14q24.1.
Variant type: single nucleotide variant.
Coding change: c.6159+1G>A on transcript NM_015346.4 (MANE Select); the canonical splice donor site of the intron after coding-DNA position 6159, G replaced by A.
Molecular consequence: splice donor variant.
Genome position (GRCh38, 1-based): chr14:67,762,671, C>T on the plus strand (G>A on the coding strand, the complement: ZFYVE26 is on the minus strand). VCF-style: chr14-67762671-C-T. GRCh37 (hg19) VCF-style: chr14-68229388-C-T.
Identifiers: ClinVar variation 1488876 (VCV001488876.11), dbSNP rs896655703, ClinGen allele CA262824168.

ClinVar aggregate classification (germline): Likely pathogenic. Review status: criteria provided, multiple submitters, no conflicts (2 of 4 stars). 3 submissions from 3 submitters: Likely pathogenic (3). Last evaluated 2025-04-18.

Conditions:
Spastic paraplegia. Identifiers: MedGen C0037772, HP:0001258.
ZFYVE26-related disorder. Also called: ZFYVE26-related condition.

Allele frequency attached by ClinVar (database versions not stated): gnomAD exomes 0.00001.
gnomAD v4.1: 12 of 1,613,416 alleles (0.00074%); highest among the groups gnomAD compares: Non-Finnish European, 0.00085%; no homozygotes.

Submissions (3):

PreventionGenetics, part of Exact Sciences
Classification: Likely pathogenic for ZFYVE26-related condition. Last evaluated: 2025-04-18. Review status: criteria provided, single submitter. Criteria: ACMG Guidelines, 2015. Collection method: clinical testing. Allele origin: germline.
Comment: The ZFYVE26 c.6159+1G>A variant is predicted to disrupt the GT donor site and interfere with normal splicing. To our knowledge, this variant has not been reported in the literature, or in a large population database (gnomAD), indicating this variant is rare. Variants that disrupt the consensus splice donor site in ZFYVE26 are expected to be pathogenic. This variant is interpreted as likely pathogenic.

Blueprint Genetics
Classification: Likely pathogenic for ZFYVE26-related disorders. Last evaluated: 2024-07-09. Review status: criteria provided, single submitter. Criteria: ACMG Guidelines, 2015. Collection method: clinical testing. Allele origin: germline. Affected: yes. Observed: 1 variant allele.

Labcorp Genetics (formerly Invitae), Labcorp
Classification: Likely pathogenic for Spastic paraplegia. Last evaluated: 2023-06-17. Review status: criteria provided, single submitter. Criteria: Invitae Variant Classification Sherloc (09022015). Collection method: clinical testing. Allele origin: germline.
Comment: In summary, the currently available evidence indicates that the variant is pathogenic, but additional data are needed to prove that conclusively. Therefore, this variant has been classified as Likely Pathogenic. Algorithms developed to predict the effect of sequence changes on RNA splicing suggest that this variant may disrupt the consensus splice site. ClinVar contains an entry for this variant (Variation ID: 1488876). This variant has not been reported in the literature in individuals affected with ZFYVE26-related conditions. This variant is not present in population databases (gnomAD no frequency). This sequence change affects a donor splice site in intron 33 of the ZFYVE26 gene. It is expected to disrupt RNA splicing. Variants that disrupt the donor or acceptor splice site typically lead to a loss of protein function (PMID: 16199547), and loss-of-function variants in ZFYVE26 are known to be pathogenic (PMID: 18394578, 19805727).

Literature cited by the submitters: PubMed 16199547 (cited by Labcorp Genetics (formerly Invitae), Labcorp); PubMed 18394578 (cited by Labcorp Genetics (formerly Invitae), Labcorp); PubMed 19805727 (cited by Labcorp Genetics (formerly Invitae), Labcorp).